The following is an entry in ClinVar:

ClinVar aggregate classification (germline): Uncertain significance. Review status: criteria provided, multiple submitters, no conflicts (2 of 4 stars). 2 submissions from 2 submitters: Uncertain significance (2). Last evaluated 2024-06-09.

Submissions (2):

GeneDx
Classification: Uncertain significance. Last evaluated: 2024-06-09. Review status: criteria provided, single submitter. Criteria: GeneDx Variant Classification Process June 2021. Collection method: clinical testing. Allele origin: germline. Affected: yes.
Comment: Not observed at significant frequency in large population cohorts (gnomAD); In silico analysis supports that this missense variant has a deleterious effect on protein structure/function; Has not been previously published as pathogenic or benign to our knowledge

Labcorp Genetics (formerly Invitae), Labcorp
Classification: Uncertain significance. Last evaluated: 2022-07-05. Review status: criteria provided, single submitter. Criteria: Invitae Variant Classification Sherloc (09022015). Collection method: clinical testing. Allele origin: germline.
Comment: This sequence change replaces proline, which is neutral and non-polar, with arginine, which is basic and polar, at codon 78 of the MNX1 protein (p.Pro78Arg). The frequency data for this variant in the population databases is considered unreliable, as metrics indicate insufficient coverage at this position in the gnomAD database. This variant has not been reported in the literature in individuals affected with MNX1-related conditions. ClinVar contains an entry for this variant (Variation ID: 1385673). Algorithms developed to predict the effect of missense changes on protein structure and function are either unavailable or do not agree on the potential impact of this missense change (SIFT: "Deleterious"; PolyPhen-2: "Not Available"; Align-GVGD: "Class C0"). In summary, the available evidence is currently insufficient to determine the role of this variant in disease. Therefore, it has been classified as a Variant of Uncertain Significance.

NM_005515.4(MNX1):c.233C>G (p.Pro78Arg)

Gene: MNX1 (motor neuron and pancreas homeobox 1; minus strand). Cytogenetic location: 7q36.3.
Variant type: single nucleotide variant.
Coding change: c.233C>G on transcript NM_005515.4 (MANE Select); coding-DNA position 233, C replaced by G.
Protein change: p.Pro78Arg; replaces proline 78 with arginine.
Molecular consequence: missense variant.
Genome position (GRCh38, 1-based): chr7:157,010,118, G>C on the plus strand (C>G on the coding strand, the complement: MNX1 is on the minus strand). VCF-style: chr7-157010118-G-C. GRCh37 (hg19) VCF-style: chr7-156802812-G-C.
Other names: c.233C>G (NM_005515.3); short protein forms P78R.
Identifiers: ClinVar variation 1385673 (VCV001385673.7), dbSNP rs1026203715, ClinGen allele CA169870982.